The following is an entry in ClinVar:

NM_000350.3(ABCA4):c.4201C>G (p.Pro1401Ala)

Gene: ABCA4 (ATP binding cassette subfamily A member 4; minus strand). Cytogenetic location: 1p22.1.
Variant type: single nucleotide variant.
Coding change: c.4201C>G on transcript NM_000350.3 (MANE Select); coding-DNA position 4201, C replaced by G.
Protein change: p.Pro1401Ala; replaces proline 1401 with alanine.
Molecular consequence: missense variant.
Genome position (GRCh38, 1-based): chr1:94,031,048, G>C on the plus strand (C>G on the coding strand, the complement: ABCA4 is on the minus strand). VCF-style: chr1-94031048-G-C. GRCh37 (hg19) VCF-style: chr1-94496604-G-C.
Other names: c.3979C>G, p.Pro1327Ala (NM_001425324.1); short protein forms P1401A, P1327A.
Identifiers: ClinVar variation 1444671 (VCV001444671.3), dbSNP rs1305455299, ClinGen allele CA341286222.

ClinVar aggregate classification (germline): Uncertain significance (1 of 4 stars; one submission).

Allele frequency attached by ClinVar (database versions not stated): TOPMed below 0.00001.
gnomAD v4.1: 3 of 1,614,062 alleles (0.00019%); highest among the groups gnomAD compares: Admixed American, 0.005%; no homozygotes.

Submission:

Labcorp Genetics (formerly Invitae), Labcorp
Classification: Uncertain significance. Last evaluated: 2021-09-21. Review status: criteria provided, single submitter. Criteria: Invitae Variant Classification Sherloc (09022015). Collection method: clinical testing. Allele origin: germline.
Comment: This sequence change replaces proline with alanine at codon 1401 of the ABCA4 protein (p.Pro1401Ala). The proline residue is highly conserved and there is a small physicochemical difference between proline and alanine. This variant is not present in population databases (ExAC no frequency). This variant has not been reported in the literature in individuals affected with ABCA4-related conditions. Advanced modeling of protein sequence and biophysical properties (such as structural, functional, and spatial information, amino acid conservation, physicochemical variation, residue mobility, and thermodynamic stability) performed at Invitae indicates that this missense variant is expected to disrupt ABCA4 protein function. In summary, the available evidence is currently insufficient to determine the role of this variant in disease. Therefore, it has been classified as a Variant of Uncertain Significance.